The following is an entry in ClinVar:

NM_003482.4(KMT2D):c.374C>A (p.Thr125Lys)

Gene: KMT2D (lysine methyltransferase 2D; minus strand). Cytogenetic location: 12q13.12.
Variant type: single nucleotide variant.
Coding change: c.374C>A on transcript NM_003482.4 (MANE Select); coding-DNA position 374, C replaced by A.
Protein change: p.Thr125Lys; replaces threonine 125 with lysine.
Molecular consequence: missense variant.
Genome position (GRCh38, 1-based): chr12:49,054,554, G>T on the plus strand (C>A on the coding strand, the complement: KMT2D is on the minus strand). VCF-style: chr12-49054554-G-T. GRCh37 (hg19) VCF-style: chr12-49448337-G-T.
Other names: short protein forms T125K.
Identifiers: ClinVar variation 2501451 (VCV002501451.2), dbSNP rs1399659855, ClinGen allele CA384687985.

ClinVar aggregate classification (germline): Uncertain significance. Review status: criteria provided, multiple submitters, no conflicts (2 of 4 stars). 2 submissions from 2 submitters: Uncertain significance (2). Last evaluated 2024-06-11.

Conditions:
Kabuki syndrome 1 (KABUK1). Also called: KMT2D-Related Kabuki Syndrome. Identifiers: Orphanet 2322, MedGen CN030661, MONDO:0007843, OMIM 147920.
Choanal atresia-athelia-hypothyroidism-delayed puberty-short stature syndrome (BCAHH). Also called: BRANCHIAL ARCH ABNORMALITIES, CHOANAL ATRESIA, ATHELIA, HEARING LOSS, AND HYPOTHYROIDISM SYNDROME. Identifiers: Orphanet 589856, MedGen C5680310, MONDO:0035651, OMIM 620186.

Allele frequency attached by ClinVar (database versions not stated): gnomAD 0.00001; TOPMed 0.00001.
gnomAD v4.1: 9 of 1,612,058 alleles (0.00056%); highest among the groups gnomAD compares: African/African-American, 0.0013%; no homozygotes.

Submissions (2):

Fulgent Genetics
Classification: Uncertain significance for Kabuki syndrome 1; Choanal atresia-athelia-hypothyroidism-delayed puberty-short stature syndrome. Last evaluated: 2024-06-11. Review status: criteria provided, single submitter. Criteria: ACMG Guidelines, 2015. Collection method: clinical testing. Allele origin: germline.

GeneDx
Classification: Uncertain significance. Last evaluated: 2022-11-04. Review status: criteria provided, single submitter. Criteria: GeneDx Variant Classification Process June 2021. Collection method: clinical testing. Allele origin: germline. Affected: yes.
Comment: Not observed at significant frequency in large population cohorts (gnomAD); In silico analysis supports that this missense variant has a deleterious effect on protein structure/function; Has not been previously published as pathogenic or benign to our knowledge